The following is an entry in ClinVar:

ClinVar aggregate classification (germline): Uncertain significance (1 of 4 stars; one submission).

Submission:

Quest Diagnostics Nichols Institute San Juan Capistrano
Classification: Uncertain significance. Last evaluated: 2023-07-10. Review status: criteria provided, single submitter. Criteria: Quest Diagnostics criteria. Collection method: clinical testing. Allele origin: unknown.
Comment: In the published literature, this variant has been reported in an affected individual with resistance to thyroid hormone (RTH) and Graves Disease (PMID: 20151830 (2010)). This variant has not been reported in large, multi-ethnic general populations (Genome Aggregation Database). Analysis of this variant using bioinformatics tools for the prediction of the effect of amino acid changes on protein structure and function yielded predictions that this variant is damaging. Based on the available information, we are unable to determine the clinical significance of this variant.

Literature cited by the submitters: PubMed 20151830.

NM_001354712.2(THRB):c.1039G>T (p.Gly347Trp)

Gene: THRB (thyroid hormone receptor beta; minus strand). Cytogenetic location: 3p24.2.
Variant type: single nucleotide variant.
Coding change: c.1039G>T on transcript NM_001354712.2 (MANE Select); coding-DNA position 1039, G replaced by T.
Protein change: p.Gly347Trp; replaces glycine 347 with tryptophan.
Molecular consequence: missense variant. On other transcripts: intron variant (1).
Genome position (GRCh38, 1-based): chr3:24,127,604, C>A on the plus strand (G>T on the coding strand, the complement: THRB is on the minus strand). VCF-style: chr3-24127604-C-A. GRCh37 (hg19) VCF-style: chr3-24169095-C-A.
Other names: c.1039G>T, p.Gly347Trp (NM_000461.5, NM_001128176.3, NM_001128177.2 and 11 more transcripts); c.946G>T, p.Gly316Trp (NM_001354714.2, NM_001354715.2); c.973+66G>T (NM_001374827.1); short protein forms G316W, G347W.
Identifiers: ClinVar variation 2682092 (VCV002682092.1), dbSNP rs2471728896, ClinGen allele CA351888706.
Genomic context (GRCh38, chr3:24,127,604, plus strand): 5'-CATCCAGGTTGAAAGAAGACAGAGACATGCCCAGGTCAAAGATGGCGTCTGACACCACCC[C>A]AAGACCCCCATTTTTCAGCTGGCCCCGTGTCACTGCCATTTCCCCATTCAAGGTTAAAGT-3'
Protein context (NP_001341641.1, residues 337-357): TRGQLKNGGL[Gly347Trp]VVSDAIFDLG